The following is an entry in ClinVar:

NM_001040716.2(PC):c.1-4C>A

Gene: PC (pyruvate carboxylase; minus strand). Cytogenetic location: 11q13.2.
Variant type: single nucleotide variant.
Coding change: c.1-4C>A on transcript NM_001040716.2 (MANE Select); 4 bases into the intron before coding-DNA position 1, C replaced by A.
Molecular consequence: intron variant.
Genome position (GRCh38, 1-based): chr11:66,872,163, G>T on the plus strand (C>A on the coding strand, the complement: PC is on the minus strand). VCF-style: chr11-66872163-G-T. GRCh37 (hg19) VCF-style: chr11-66639634-G-T.
Other names: c.1-4C>A (NM_000920.4, NM_022172.3).
Identifiers: ClinVar variation 1032490 (VCV001032490.1), dbSNP rs1313846853, ClinGen allele CA599878076.
Genomic context (GRCh38, chr11:66,872,163, plus strand): 5'-GGTTCGGCGGATTCCCAGGAGCCTCAGGCCCCCATGGACTGTTCGGAACTTCAGCATCTA[G>T]GGAGGGAAGTTAGAGCCCAGGTTAGCGCAGCCTCAGCACTGAGGCTCCTCAGAATGAGTG-3'

ClinVar aggregate classification (germline): Uncertain significance (1 of 4 stars; one submission).

Conditions:
Pyruvate carboxylase deficiency. Also called: LEIGH NECROTIZING ENCEPHALOPATHY DUE TO PYRUVATE CARBOXYLASE DEFICIENCY; LEIGH SYNDROME DUE TO PYRUVATE CARBOXYLASE DEFICIENCY; PC DEFICIENCY; ATAXIA WITH LACTIC ACIDOSIS II; Pyruvate Carboxylase Deficiency Disease. Identifiers: Orphanet 3008, MedGen C0034341, MONDO:0009949, OMIM 266150.

Allele frequency attached by ClinVar (database versions not stated): gnomAD exomes 0.00001.
gnomAD v4.1: 20 of 1,579,084 alleles (0.0013%); highest among the groups gnomAD compares: East Asian, 0.0024%; no homozygotes.

Submission:

Baylor Genetics
Classification: Uncertain significance for Pyruvate carboxylase deficiency. Last evaluated: 2018-05-01. Review status: criteria provided, single submitter. Criteria: ACMG Guidelines, 2015. Collection method: clinical testing. Allele origin: unknown. Affected: yes.
Comment: This variant was determined to be of uncertain significance according to ACMG Guidelines, 2015 [PMID:25741868].